The following is an entry in ClinVar:

NM_000548.5(TSC2):c.4401C>A (p.Ala1467=)

Gene: TSC2 (TSC complex subunit 2; plus strand). Cytogenetic location: 16p13.3.
Variant type: single nucleotide variant.
Coding change: c.4401C>A on transcript NM_000548.5 (MANE Select); coding-DNA position 4401, C replaced by A.
Protein change: p.Ala1467=; no amino-acid change (alanine 1467 retained).
Molecular consequence: synonymous variant.
Genome position (GRCh38, 1-based): chr16:2,084,623, C>A. VCF-style: chr16-2084623-C-A. GRCh37 (hg19) VCF-style: chr16-2134624-C-A.
Other names: c.4200C>A, p.Ala1400= (NM_001077183.3); c.4332C>A, p.Ala1444= (NM_001114382.3); c.4092C>A, p.Ala1364= (NM_001318827.2); c.4056C>A, p.Ala1352= (NM_001318829.2); c.3669C>A, p.Ala1223= (NM_001318831.2); c.4233C>A, p.Ala1411= (NM_001318832.2); c.4203C>A, p.Ala1401= (NM_001363528.2); c.4269C>A, p.Ala1423= (NM_001370404.1); and 1 more.
Identifiers: ClinVar variation 755482 (VCV000755482.12), dbSNP rs370735624, ClinGen allele CA276753466.
Genomic context (GRCh38, chr16:2,084,623, plus strand): 5'-CAGCTCCCCCCGCTCGCCCAGTGGCCTCCGGCCCCGAGGTTACACCATCTCCGACTCGGC[C>A]CCATCACGCAGGGGCAAGAGAGTAGAGAGGGACGCCTTAAAGAGCAGAGCCACAGCCTCC-3'
Protein context (NP_000539.2, residues 1457-1477): RPRGYTISDS[Ala1467=]PSRRGKRVER

ClinVar aggregate classification (germline): Benign/Likely benign. Review status: criteria provided, multiple submitters, no conflicts (2 of 4 stars). 3 submissions from 3 submitters: Benign (1); Likely benign (2). Last evaluated 2025-06-03.

Conditions:
Hereditary cancer-predisposing syndrome. Also called: Tumor predisposition; Hereditary Cancer Syndrome; Neoplastic Syndromes, Hereditary; Hereditary neoplastic syndrome. Identifiers: Orphanet 140162, MedGen C0027672, MeSH D009386, MONDO:0015356.
Tuberous sclerosis 2 (TSC2). Identifiers: Orphanet 805, MedGen C1860707, MONDO:0013199, OMIM 613254.

gnomAD v4.1: 1 of 1,601,168 alleles (0.000062%); highest among the groups gnomAD compares: Admixed American, 0.0017%; no homozygotes.

Submissions (3):

Myriad Genetics, Inc.
Classification: Benign for Tuberous sclerosis 2. Last evaluated: 2025-06-03. Review status: criteria provided, single submitter. Criteria: Myriad Autosomal Dominant, Autosomal Recessive and X-Linked Classification Criteria (2023). Collection method: clinical testing. Allele origin: unknown.
Comment: This variant is considered benign. This variant is a silent/synonymous amino acid change and it is not expected to impact splicing.

Labcorp Genetics (formerly Invitae), Labcorp
Classification: Likely benign for Tuberous sclerosis 2. Last evaluated: 2024-05-05. Review status: criteria provided, single submitter. Criteria: Invitae Variant Classification Sherloc (09022015). Collection method: clinical testing. Allele origin: germline.

Ambry Genetics
Classification: Likely benign for Hereditary cancer-predisposing syndrome. Last evaluated: 2022-05-30. Review status: criteria provided, single submitter. Criteria: Ambry Variant Classification Scheme 2023. Collection method: clinical testing. Allele origin: germline.